The following is an entry in ClinVar:

ClinVar aggregate classification (germline): Uncertain significance (1 of 4 stars; one submission).

Conditions:
Dilated cardiomyopathy 1O (CMD1O). Also called: CARDIOMYOPATHY, DILATED, WITH VENTRICULAR TACHYCARDIA. Identifiers: Orphanet 154, MedGen C1837839, MONDO:0012062, OMIM 608569.

Allele frequency attached by ClinVar (database versions not stated): gnomAD 0.00001; TOPMed 0.00001.
gnomAD v4.1: 3 of 1,613,326 alleles (0.00019%); highest among the groups gnomAD compares: Admixed American, 0.0033%; no homozygotes.

Submission:

Labcorp Genetics (formerly Invitae), Labcorp
Classification: Uncertain significance for Dilated cardiomyopathy 1O. Last evaluated: 2024-02-23. Review status: criteria provided, single submitter. Criteria: Invitae Variant Classification Sherloc (09022015). Collection method: clinical testing. Allele origin: germline.
Comment: This sequence change falls in intron 2 of the ABCC9 gene. It does not directly change the encoded amino acid sequence of the ABCC9 protein. It affects a nucleotide within the consensus splice site. This variant is present in population databases (no rsID available, gnomAD 0.003%). This variant has not been reported in the literature in individuals affected with ABCC9-related conditions. ClinVar contains an entry for this variant (Variation ID: 1406855). Variants that disrupt the consensus splice site are a relatively common cause of aberrant splicing (PMID: 17576681, 9536098). Algorithms developed to predict the effect of sequence changes on RNA splicing suggest that this variant may disrupt the consensus splice site. In summary, the available evidence is currently insufficient to determine the role of this variant in disease. Therefore, it has been classified as a Variant of Uncertain Significance.

Literature cited by the submitters: PubMed 17576681; PubMed 9536098.

NM_020297.4(ABCC9):c.284+6T>G

Gene: ABCC9 (ATP binding cassette subfamily C member 9; minus strand). Cytogenetic location: 12p12.1.
Variant type: single nucleotide variant.
Coding change: c.284+6T>G on transcript NM_020297.4 (MANE Select); 6 bases into the intron after coding-DNA position 284, T replaced by G.
Molecular consequence: intron variant.
Genome position (GRCh38, 1-based): chr12:21,933,776, A>C on the plus strand (T>G on the coding strand, the complement: ABCC9 is on the minus strand). VCF-style: chr12-21933776-A-C. GRCh37 (hg19) VCF-style: chr12-22086710-A-C.
Other names: c.-171+6T>G (NM_001377274.1); c.284+6T>G (NM_005691.4, NM_001377273.1).
Identifiers: ClinVar variation 1406855 (VCV001406855.6), dbSNP rs1277936424, ClinGen allele CA603676670.